The following is an entry in ClinVar:

ClinVar aggregate classification (germline): Uncertain significance. Review status: criteria provided, multiple submitters, no conflicts (2 of 4 stars). 3 submissions from 3 submitters: Uncertain significance (3). Last evaluated 2025-02-11.

Conditions:
ALG1-congenital disorder of glycosylation. Also called: CDG Ik; CONGENITAL DISORDER OF GLYCOSYLATION, TYPE Ik; ALG1-CDG. Identifiers: Orphanet 79327, MedGen C2931005, MONDO:0012052, OMIM 608540.

Allele frequency attached by ClinVar (database versions not stated): gnomAD exomes below 0.00001; gnomAD 0.00004; TOPMed 0.00004.
gnomAD v4.1: 10 of 1,613,962 alleles (0.00062%); highest among the groups gnomAD compares: African/African-American, 0.012%; no homozygotes.

Submissions (3):

GeneDx
Classification: Uncertain significance. Last evaluated: 2025-02-11. Review status: criteria provided, single submitter. Criteria: GeneDx Variant Classification Process June 2021. Collection method: clinical testing. Allele origin: germline. Affected: yes.
Comment: In silico analysis supports a deleterious effect on splicing; Has not been previously published as pathogenic or benign to our knowledge

Labcorp Genetics (formerly Invitae), Labcorp
Classification: Uncertain significance for ALG1-congenital disorder of glycosylation. Last evaluated: 2023-11-27. Review status: criteria provided, single submitter. Criteria: Invitae Variant Classification Sherloc (09022015). Collection method: clinical testing. Allele origin: germline.
Comment: This sequence change falls in intron 4 of the ALG1 gene. It does not directly change the encoded amino acid sequence of the ALG1 protein. It affects a nucleotide within the consensus splice site. This variant is present in population databases (no rsID available, gnomAD 0.05%). This variant has not been reported in the literature in individuals affected with ALG1-related conditions. ClinVar contains an entry for this variant (Variation ID: 1356619). Variants that disrupt the consensus splice site are a relatively common cause of aberrant splicing (PMID: 17576681, 9536098). Algorithms developed to predict the effect of sequence changes on RNA splicing suggest that this variant may disrupt the consensus splice site. In summary, the available evidence is currently insufficient to determine the role of this variant in disease. Therefore, it has been classified as a Variant of Uncertain Significance.

Fulgent Genetics
Classification: Uncertain significance for ALG1-congenital disorder of glycosylation. Last evaluated: 2022-02-11. Review status: criteria provided, single submitter. Criteria: ACMG Guidelines, 2015. Collection method: clinical testing. Allele origin: unknown.

Literature cited by the submitters: PubMed 17576681 (cited by Labcorp Genetics (formerly Invitae), Labcorp); PubMed 9536098 (cited by Labcorp Genetics (formerly Invitae), Labcorp).

NM_019109.5(ALG1):c.539+3G>C

Gene: ALG1 (ALG1 chitobiosyldiphosphodolichol beta-mannosyltransferase; plus strand). Cytogenetic location: 16p13.3.
Variant type: single nucleotide variant.
Coding change: c.539+3G>C on transcript NM_019109.5 (MANE Select); 3 bases into the intron after coding-DNA position 539, G replaced by C.
Molecular consequence: intron variant.
Genome position (GRCh38, 1-based): chr16:5,075,539, G>C. VCF-style: chr16-5075539-G-C. GRCh37 (hg19) VCF-style: chr16-5125540-G-C.
Other names: c.206+3G>C (NM_001330504.2).
Identifiers: ClinVar variation 1356619 (VCV001356619.8), dbSNP rs1040920105, ClinGen allele CA277198364.